The following is an entry in ClinVar:

ClinVar aggregate classification (germline): Benign/Likely benign. Review status: criteria provided, multiple submitters, no conflicts (2 of 4 stars). 8 submissions from 8 submitters: Benign (2); Likely benign (4). 2 of the submissions do not count toward it. Last evaluated 2026-01-10.

Conditions:
DMD-related disorder. Also called: DMD-related condition.
Cardiovascular phenotype. Identifiers: MedGen CN230736.
Cardiomyopathy (CMYO). Also called: Cardiomyopathies. Identifiers: Orphanet 167848, MedGen C0878544, MONDO:0004994, HP:0001638. Inheritance: Various modes of inheritance.
Duchenne muscular dystrophy (DMD). Also called: MUSCULAR DYSTROPHY, PSEUDOHYPERTROPHIC PROGRESSIVE, DUCHENNE TYPE; Duchenne Muscular Dystrophy (DMD). Identifiers: Orphanet 98896, MedGen C0013264, MONDO:0010679, OMIM 310200.
Becker muscular dystrophy (BMD). Also called: Becker Muscular Dystrophy (BMD); MUSCULAR DYSTROPHY, PSEUDOHYPERTROPHIC PROGRESSIVE, BECKER TYPE. Identifiers: Orphanet 98895, MedGen C0917713, MONDO:0010311, OMIM 300376.
Dystrophin deficiency.

Allele frequency attached by ClinVar (database versions not stated): gnomAD 0.00004 and 0.00005; gnomAD exomes 0.00005 and 0.00014; ExAC 0.00008; TOPMed 0.00019; 1000 Genomes Project 30x 0.00042; 1000 Genomes Project 0.00053.
gnomAD v4.1: 61 of 1,195,391 alleles (0.0051%); highest among the groups gnomAD compares: Admixed American, 0.05%; no homozygotes.

Submissions (8):

Labcorp Genetics (formerly Invitae), Labcorp
Classification: Likely benign for Duchenne muscular dystrophy. Last evaluated: 2026-01-10. Review status: criteria provided, single submitter. Criteria: Invitae Variant Classification Sherloc (09022015). Collection method: clinical testing. Allele origin: germline.

Mayo Clinic Laboratories, Mayo Clinic
Classification: Likely benign. Last evaluated: 2025-10-21. Review status: criteria provided, single submitter. Criteria: ACMG Guidelines, 2015. Collection method: clinical testing. Allele origin: germline. Observed: 1 variant allele.
Comment: BS2, BP4, BP7

GeneDx
Classification: Benign. Last evaluated: 2020-05-19. Review status: criteria provided, single submitter. Criteria: GeneDx Variant Classification Process June 2021. Collection method: clinical testing. Allele origin: germline. Affected: yes.

Ambry Genetics
Classification: Likely benign for Cardiovascular phenotype. Last evaluated: 2018-10-30. Review status: criteria provided, single submitter. Criteria: Ambry Variant Classification Scheme 2023. Collection method: clinical testing. Allele origin: germline.

Athena Diagnostics
Classification: Benign. Last evaluated: 2017-07-31. Review status: criteria provided, single submitter. Criteria: Athena Diagnostics Criteria. Collection method: clinical testing. Allele origin: germline.

Laboratory for Molecular Medicine, Mass General Brigham Personalized Medicine
Classification: Likely benign. Last evaluated: 2015-04-08. Review status: criteria provided, single submitter. Criteria: LMM Criteria. Collection method: clinical testing. Allele origin: germline. Observed: 1 variant allele.
Comment: p.Glu501Glu in exon 13 of DMD: This variant is not expected to have clinical sig nificance because it does not alter an amino acid residue and is not located wit hin the splice consensus sequence. It has been identified in 6/45495 European ch romosomes, including 2 hemizygotes, by the Exome Aggregation Consortium (ExAC).

PreventionGenetics, part of Exact Sciences
Classification: Likely benign for DMD-related condition. Last evaluated: 2023-06-14. Review status: no assertion criteria provided. Collection method: clinical testing. Allele origin: germline. Not counted in ClinVar's aggregate classification.
Comment: This variant is classified as likely benign based on ACMG/AMP sequence variant interpretation guidelines (Richards et al. 2015 PMID: 25741868, with internal and published modifications).

Natera, Inc.
Classification: Likely benign for Becker muscular dystrophy; Cardiomyopathy; Duchenne muscular dystrophy; Dystrophin deficiency. Last evaluated: 2017-04-20. Review status: no assertion criteria provided. Collection method: clinical testing. Allele origin: germline. Not counted in ClinVar's aggregate classification.

NM_004006.3(DMD):c.1503A>G (p.Glu501=)

Gene: DMD (dystrophin; minus strand). Cytogenetic location: Xp21.1.
Variant type: single nucleotide variant.
Coding change: c.1503A>G on transcript NM_004006.3 (MANE Select); coding-DNA position 1503, A replaced by G.
Protein change: p.Glu501=; no amino-acid change (glutamic acid 501 retained).
Molecular consequence: synonymous variant.
Genome position (GRCh38, 1-based): chrX:32,595,856, T>C on the plus strand (A>G on the coding strand, the complement: DMD is on the minus strand). VCF-style: chrX-32595856-T-C. GRCh37 (hg19) VCF-style: chrX-32613973-T-C.
Other names: p.Glu501=; c.1479A>G, p.Glu493= (NM_000109.4); c.1491A>G, p.Glu497= (NM_004009.3); c.1134A>G, p.Glu378= (NM_004010.3).
Identifiers: ClinVar variation 227306 (VCV000227306.22), dbSNP rs770464589, ClinGen allele CA10379831.